The following is an entry in ClinVar:

NM_001382430.1(AKT1):c.453G>A (p.Glu151=)

Gene: AKT1 (AKT serine/threonine kinase 1; minus strand). Cytogenetic location: 14q32.33.
Variant type: single nucleotide variant.
Coding change: c.453G>A on transcript NM_001382430.1 (MANE Select); coding-DNA position 453, G replaced by A.
Protein change: p.Glu151=; no amino-acid change (glutamic acid 151 retained).
Molecular consequence: synonymous variant.
Genome position (GRCh38, 1-based): chr14:104,775,190, C>T on the plus strand (G>A on the coding strand, the complement: AKT1 is on the minus strand). VCF-style: chr14-104775190-C-T. GRCh37 (hg19) VCF-style: chr14-105241527-C-T.
Other names: c.453G>A, p.Glu151= (NM_001014431.2, NM_001014432.2, NM_001382431.1 and 3 more transcripts).
Identifiers: ClinVar variation 705921 (VCV000705921.28), dbSNP rs765537155, ClinGen allele CA7374771.

ClinVar aggregate classification (germline): Likely benign. Review status: criteria provided, multiple submitters, no conflicts (2 of 4 stars). 3 submissions from 3 submitters: Likely benign (3). Last evaluated 2024-08-01.

Conditions:
Cowden syndrome 6 (CWS6). Identifiers: Orphanet 201, MedGen C3554519, MONDO:0014048, OMIM 615109.
Inborn genetic diseases. Identifiers: MedGen C0950123, MeSH D030342.

Allele frequency attached by ClinVar (database versions not stated): gnomAD exomes 0.00001 and 0.00002; TOPMed 0.00001; ExAC 0.00002.
gnomAD v4.1: 20 of 1,614,050 alleles (0.0012%); highest among the groups gnomAD compares: Non-Finnish European, 0.0015%; no homozygotes.

Submissions (3):

CeGaT Center for Human Genetics Tuebingen
Classification: Likely benign. Last evaluated: 2024-08-01. Review status: criteria provided, single submitter. Criteria: CeGaT Center For Human Genetics Tuebingen Variant Classification Criteria Version 2. Collection method: clinical testing. Allele origin: germline. Affected: yes. Observed: 1 variant allele.
Comment: AKT1: BP4, BP7

Labcorp Genetics (formerly Invitae), Labcorp
Classification: Likely benign for Cowden syndrome 6. Last evaluated: 2023-08-09. Review status: criteria provided, single submitter. Criteria: Invitae Variant Classification Sherloc (09022015). Collection method: clinical testing. Allele origin: germline.

Ambry Genetics
Classification: Likely benign for Inborn genetic diseases. Last evaluated: 2022-02-27. Review status: criteria provided, single submitter. Criteria: Ambry Variant Classification Scheme 2023. Collection method: clinical testing. Allele origin: germline.